The following is an entry in ClinVar:

ClinVar aggregate classification (germline): Benign/Likely benign. Review status: criteria provided, multiple submitters, no conflicts (2 of 4 stars). 23 submissions from 22 submitters: Benign (13); Likely benign (3). 7 of the submissions do not count toward it. Last evaluated 2026-02-04.

Conditions:
Hereditary pancreatitis (PCTT). Also called: Hereditary chronic pancreatitis; PRSS1-Related Hereditary Pancreatitis. Identifiers: Orphanet 676, MedGen C0238339, MONDO:0008185, OMIM 167800.
Cystic fibrosis (CF). Also called: MUCOVISCIDOSIS. Identifiers: Orphanet 586, MedGen C0010674, MONDO:0009061, OMIM 219700. Disease mechanism: loss of function.
CFTR-related disorder (CFTR-RD). Also called: CFTR-related disorders; CFTR-related condition. Identifiers: MedGen C5924204, MONDO:7770004.

Allele frequency attached by ClinVar (database versions not stated): 1000 Genomes Project 0.18610; 1000 Genomes Project 30x 0.18816; TOPMed 0.21219; gnomAD exomes 0.21645 and 0.22515; ExAC 0.22529; ESP Exome Variant Server 0.22590; gnomAD 0.23047 and 0.23407.
gnomAD v4.1: 363,327 of 1,613,520 alleles (23%); highest among the groups gnomAD compares: South Asian, 27%; 43,634 homozygotes.

Submissions (23):

Labcorp Genetics (formerly Invitae), Labcorp
Classification: Benign for Cystic fibrosis. Last evaluated: 2026-02-04. Review status: criteria provided, single submitter. Criteria: Invitae Variant Classification Sherloc (09022015). Collection method: clinical testing. Allele origin: germline.

ARUP Laboratories, Molecular Genetics and Genomics, ARUP Laboratories
Classification: Benign. Last evaluated: 2025-07-31. Review status: criteria provided, single submitter. Criteria: ARUP Molecular Germline Variant Investigation Process 2024. Collection method: clinical testing. Allele origin: germline.

Blueprint Genetics
Classification: Likely benign. Last evaluated: 2024-11-27. Review status: criteria provided, single submitter. Criteria: ACMG Guidelines, 2015. Collection method: clinical testing. Allele origin: germline.

Johns Hopkins Genomics, Johns Hopkins University
Classification: Benign for Cystic fibrosis. Last evaluated: 2024-08-17. Review status: criteria provided, single submitter. Criteria: ACMG Guidelines, 2015. Collection method: clinical testing. Allele origin: germline.
Comment: BA1

Mayo Clinic Laboratories, Mayo Clinic
Classification: Benign. Last evaluated: 2023-02-16. Review status: criteria provided, single submitter. Criteria: ACMG Guidelines, 2015. Collection method: clinical testing. Allele origin: germline. Observed: 2,158 variant alleles.

Genome-Nilou Lab
Classification: Benign for Cystic fibrosis. Last evaluated: 2021-07-01. Review status: criteria provided, single submitter. Criteria: ACMG Guidelines, 2015. Collection method: clinical testing. Allele origin: germline. Affected: no.

Sema4
Classification: Benign for Hereditary pancreatitis. Last evaluated: 2020-02-24. Review status: criteria provided, single submitter. Criteria: Sema4 Curation Guidelines. Collection method: curation. Allele origin: germline.

Genome Diagnostics Laboratory, The Hospital for Sick Children
Classification: Benign for Cystic fibrosis. Last evaluated: 2019-07-23. Review status: criteria provided, single submitter. Criteria: ACMG Guidelines, 2015. Collection method: clinical testing. Allele origin: germline.

GeneDx
Classification: Benign. Last evaluated: 2018-02-07. Review status: criteria provided, single submitter. Criteria: GeneDx Variant Classification (06012015). Collection method: clinical testing. Allele origin: germline. Affected: yes.
Comment: This variant is considered likely benign or benign based on one or more of the following criteria: it is a conservative change, it occurs at a poorly conserved position in the protein, it is predicted to be benign by multiple in silico algorithms, and/or has population frequency not consistent with disease.

CFTR-France
Classification: Benign for cystic fibrosis. Last evaluated: 2018-01-29. Review status: criteria provided, single submitter. Criteria: Claustres M et al. (Hum Mutat 2017). Collection method: curation. Allele origin: germline. Affected: yes and no.
Comment: the variant does not result in CFTR-RD neither

Eurofins Ntd Llc (ga)
Classification: Benign. Last evaluated: 2018-01-25. Review status: criteria provided, single submitter. Criteria: EGL Classification Definitions 2015. Collection method: clinical testing. Allele origin: germline. Observed: 222 variant alleles, 200 heterozygotes, 22 homozygotes.

Illumina Laboratory Services, Illumina
Classification: Likely benign for CFTR-Related Disorders. Last evaluated: 2017-04-27. Review status: criteria provided, single submitter. Criteria: ICSL Variant Classification Criteria 13 December 2019. Collection method: clinical testing. Allele origin: germline.
Comment: This variant was observed as part of a predisposition screen in an ostensibly healthy population. A literature search was performed for the gene, cDNA change, and amino acid change (where applicable). No publications were found based on this search. Allele frequency data from public databases allowed determination this variant is unlikely to cause disease. Therefore, this variant is classified as likely benign.

Ambry Genetics
Classification: Benign for Cystic fibrosis. Last evaluated: 2014-11-19. Review status: criteria provided, single submitter. Criteria: Ambry Variant Classification Scheme 2023. Collection method: clinical testing. Allele origin: germline.

Laboratory for Molecular Medicine, Mass General Brigham Personalized Medicine
Classification: Benign. Last evaluated: 2013-09-27. Review status: criteria provided, single submitter. Criteria: LMM Criteria. Collection method: clinical testing. Allele origin: germline. Observed: 34 variant alleles.
Comment: Gln1463Gln in exon 27 of CFTR: This variant does not alter an amino acid and is not in a consensus splice sequence. It was identified in 21.6% (1861/8600) of European American and 24.4% (1077/4406) of African American chromosomose from a broad population screened by the NHLBI Exome Sequencing Project.

Breakthrough Genomics
Classification: Likely benign. Review status: criteria provided, single submitter. Criteria: ACMG Guidelines, 2015. Collection method: not provided. Allele origin: germline. Inheritance: Autosomal recessive inheritance. Affected: yes.

PreventionGenetics, part of Exact Sciences
Classification: Benign. Review status: criteria provided, single submitter. Criteria: ACMG Guidelines, 2015. Collection method: clinical testing. Allele origin: germline.

Payam Genetics Center, General Welfare Department of North Khorasan Province
Classification: Benign for Cystic fibrosis. Last evaluated: 2023-03-01. Review status: no assertion criteria provided. Collection method: clinical testing. Allele origin: germline. Affected: no. Observed: 1 variant allele. Not counted in ClinVar's aggregate classification.

Genome Diagnostics Laboratory, The Hospital for Sick Children
Classification: Benign for CFTR-related disorders. Last evaluated: 2019-07-23. Review status: no assertion criteria provided. Collection method: clinical testing. Allele origin: germline. Not counted in ClinVar's aggregate classification.

Natera, Inc.
Classification: Benign for CFTR-related disorders. Last evaluated: 2017-03-29. Review status: no assertion criteria provided. Collection method: clinical testing. Allele origin: germline. Not counted in ClinVar's aggregate classification.

Clinical Genetics DNA and cytogenetics Diagnostics Lab, Erasmus MC, Erasmus Medical Center
Classification: Benign. Review status: no assertion criteria provided. Collection method: clinical testing. Allele origin: germline. Affected: yes. Study: VKGL Data-share Consensus. Not counted in ClinVar's aggregate classification.

Diagnostic Laboratory, Department of Genetics, University Medical Center Groningen
Classification: Benign. Review status: no assertion criteria provided. Collection method: clinical testing. Allele origin: germline. Affected: yes. Study: VKGL Data-share Consensus. Not counted in ClinVar's aggregate classification.

Genetic Services Laboratory, University of Chicago
Classification: Likely benign for AllHighlyPenetrant. Review status: no assertion criteria provided. Collection method: clinical testing. Allele origin: germline. Inheritance: Autosomal recessive inheritance. Not counted in ClinVar's aggregate classification.
Comment: Likely benign based on allele frequency in 1000 Genomes Project or ESP global frequency and its presence in a patient with a rare or unrelated disease phenotype. NOT Sanger confirmed.

Genome Diagnostics Laboratory, University Medical Center Utrecht
Classification: Benign. Review status: no assertion criteria provided. Collection method: clinical testing. Allele origin: germline. Affected: yes. Study: VKGL Data-share Consensus. Not counted in ClinVar's aggregate classification.

Literature cited by the submitters: PubMed 34964109 (cited by Payam Genetics Center, General Welfare Department of North Khorasan Province); PubMed 20301773 (cited by Payam Genetics Center, General Welfare Department of North Khorasan Province).

NM_000492.4(CFTR):c.4389G>A (p.Gln1463=)

Genes: CFTR (CF transmembrane conductance regulator; plus strand), LOC111674477 (CFTR intron 23 enhancer; plus strand). Cytogenetic location: 7q31.2.
Variant type: single nucleotide variant.
Coding change: c.4389G>A on transcript NM_000492.4 (MANE Select); coding-DNA position 4389, G replaced by A.
Protein change: p.Gln1463=; no amino-acid change (glutamine 1463 retained).
Molecular consequence: synonymous variant.
Genome position (GRCh38, 1-based): chr7:117,667,054, G>A. VCF-style: chr7-117667054-G-A. GRCh37 (hg19) VCF-style: chr7-117307108-G-A.
Other names: p.Gln1463=.
Identifiers: ClinVar variation 93157 (VCV000093157.62), dbSNP rs1800136, ClinGen allele CA146706.
Genomic context (GRCh38, chr7:117,667,054, plus strand): 5'-CTCCGACAGGGTGAAGCTCTTTCCCCACCGGAACTCAAGCAAGTGCAAGTCTAAGCCCCA[G>A]ATTGCTGCTCTGAAAGAGGAGACAGAAGAAGAGGTGCAAGATACAAGGCTTTAGAGAGCA-3'
Protein context (NP_000483.3, residues 1453-1473): RNSSKCKSKP[Gln1463=]IAALKEETEE